The following is an entry in ClinVar:

NM_024009.3(GJB3):c.533T>C (p.Ile178Thr)

Gene: GJB3 (gap junction protein beta 3; plus strand). Cytogenetic location: 1p34.3.
Variant type: single nucleotide variant.
Coding change: c.533T>C on transcript NM_024009.3 (MANE Select); coding-DNA position 533, T replaced by C.
Protein change: p.Ile178Thr; replaces isoleucine 178 with threonine.
Molecular consequence: missense variant.
Genome position (GRCh38, 1-based): chr1:34,785,295, T>C. VCF-style: chr1-34785295-T-C. GRCh37 (hg19) VCF-style: chr1-35250896-T-C.
Other names: c.533T>C, p.Ile178Thr (NM_001005752.2); short protein forms I178T.
Identifiers: ClinVar variation 3900764 (VCV003900764.1).

ClinVar aggregate classification (germline): Uncertain significance (1 of 4 stars; one submission).

gnomAD v4.1: 5 of 1,613,108 alleles (0.00031%); highest among the groups gnomAD compares: Admixed American, 0.0083%; no homozygotes.

Submission:

GeneDx
Classification: Uncertain significance. Last evaluated: 2024-12-02. Review status: criteria provided, single submitter. Criteria: GeneDx Variant Classification Process June 2021. Collection method: clinical testing. Allele origin: germline. Affected: yes.
Comment: In silico analysis supports that this missense variant has a deleterious effect on protein structure/function; Has not been previously published as pathogenic or benign to our knowledge